The following is an entry in ClinVar:

ClinVar aggregate classification (germline): Uncertain significance (1 of 4 stars; one submission).

Conditions:
Mendelian susceptibility to mycobacterial diseases due to complete IL12RB1 deficiency. Also called: IL12RB1 DEFICIENCY; Immunodeficiency 30. Identifiers: Orphanet 319552, MedGen C4013949, MONDO:0013955, OMIM 614891.

Submission:

Labcorp Genetics (formerly Invitae), Labcorp
Classification: Uncertain significance for Mendelian susceptibility to mycobacterial diseases due to complete IL12RB1 deficiency. Last evaluated: 2023-02-06. Review status: criteria provided, single submitter. Criteria: Invitae Variant Classification Sherloc (09022015). Collection method: clinical testing. Allele origin: germline.
Comment: This sequence change replaces tryptophan, which is neutral and slightly polar, with cysteine, which is neutral and slightly polar, at codon 64 of the IL12RB1 protein (p.Trp64Cys). This variant is not present in population databases (gnomAD no frequency). This variant has not been reported in the literature in individuals affected with IL12RB1-related conditions. ClinVar contains an entry for this variant (Variation ID: 1039781). Advanced modeling of protein sequence and biophysical properties (such as structural, functional, and spatial information, amino acid conservation, physicochemical variation, residue mobility, and thermodynamic stability) performed at Invitae indicates that this missense variant is expected to disrupt IL12RB1 protein function. In summary, the available evidence is currently insufficient to determine the role of this variant in disease. Therefore, it has been classified as a Variant of Uncertain Significance.

NM_005535.3(IL12RB1):c.192G>T (p.Trp64Cys)

Gene: IL12RB1 (interleukin 12 receptor subunit beta 1; minus strand). Cytogenetic location: 19p13.11.
Variant type: single nucleotide variant.
Coding change: c.192G>T on transcript NM_005535.3 (MANE Select); coding-DNA position 192, G replaced by T.
Protein change: p.Trp64Cys; replaces tryptophan 64 with cysteine.
Molecular consequence: missense variant.
Genome position (GRCh38, 1-based): chr19:18,082,197, C>A on the plus strand (G>T on the coding strand, the complement: IL12RB1 is on the minus strand). VCF-style: chr19-18082197-C-A. GRCh37 (hg19) VCF-style: chr19-18193007-C-A.
Other names: c.192G>T, p.Trp64Cys (NM_001290023.2, NM_153701.3); c.312G>T, p.Trp104Cys (NM_001290024.2); short protein forms W104C, W64C.
Identifiers: ClinVar variation 1039781 (VCV001039781.8), dbSNP rs2035963299, ClinGen allele CA404790145.